The following is an entry in ClinVar:

ClinVar aggregate classification (germline): Uncertain significance (1 of 4 stars; one submission).

Allele frequency attached by ClinVar (database versions not stated): ExAC 0.00001; TOPMed 0.00002; ESP Exome Variant Server 0.00008.
gnomAD v4.1: 19 of 1,614,168 alleles (0.0012%); highest among the groups gnomAD compares: Admixed American, 0.0017%; no homozygotes.

Submission:

Women's Health and Genetics/Laboratory Corporation of America, LabCorp
Classification: Uncertain significance. Last evaluated: 2024-01-05. Review status: criteria provided, single submitter. Criteria: LabCorp Variant Classification Summary - May 2015. Collection method: clinical testing. Allele origin: germline.
Comment: Variant summary: CCDC8 c.1510A>G (p.Thr504Ala) results in a non-conservative amino acid change in the encoded protein sequence. Four of five in-silico tools predict a benign effect of the variant on protein function. The variant allele was found at a frequency of 1.2e-05 in 251462 control chromosomes. The available data on variant occurrences in the general population are insufficient to allow any conclusion about variant significance. To our knowledge, no occurrence of c.1510A>G in individuals affected with Three M Syndrome 3 has been reported. One publication reports experimental evidence evaluating an impact on protein function, however, does not allow convincing conclusions about the variant effect (e.g. Nie_2015). The following publication has been ascertained in the context of this evaluation (PMID: 25752541). No submitters have cited clinical-significance assessments for this variant to ClinVar. Based on the evidence outlined above, the variant was classified as uncertain significance.

Literature cited by the submitters: PubMed 25752541.

NM_032040.5(CCDC8):c.1510A>G (p.Thr504Ala)

Gene: CCDC8 (coiled-coil domain containing 8; minus strand). Cytogenetic location: 19q13.32.
Variant type: single nucleotide variant.
Coding change: c.1510A>G on transcript NM_032040.5 (MANE Select); coding-DNA position 1510, A replaced by G.
Protein change: p.Thr504Ala; replaces threonine 504 with alanine.
Molecular consequence: missense variant.
Genome position (GRCh38, 1-based): chr19:46,411,301, T>C on the plus strand (A>G on the coding strand, the complement: CCDC8 is on the minus strand). VCF-style: chr19-46411301-T-C. GRCh37 (hg19) VCF-style: chr19-46914558-T-C.
Other names: short protein forms T504A.
Identifiers: ClinVar variation 3063791 (VCV003063791.1), dbSNP rs374813764, ClinGen allele CA9528466.
Genomic context (GRCh38, chr19:46,411,301, plus strand): 5'-CGGCCCTCAGCACCCTGAGGTTCCTGGCCTCTCCTGCCCTGGGGACTCTCTTGGGCAGGG[T>C]TGGCAACCGGGGAGTGTGCCAGAAGGCTCTCCGGCGCTTGCAAAACCACGAAAAGCGTCC-3'
Protein context (NP_114429.2, residues 494-514): RAFWHTPRLP[Thr504Ala]LPKRVPRAGE